The following is an entry in ClinVar:

NM_022455.5(NSD1):c.5392_5398del (p.Phe1798fs)

Genes: NSD1 (nuclear receptor binding SET domain protein 1; plus strand), LOC126807619 (MED14-independent group 3 enhancer GRCh37_chr5:176696443-176697642; plus strand). Cytogenetic location: 5q35.3.
Variant type: Deletion.
Coding change: c.5392_5398del on transcript NM_022455.5 (MANE Select); coding-DNA positions 5392 to 5398, 7 bases deleted (TTTTTTG; older notation c.5392_5398delTTTTTTG).
Protein change: p.Phe1798fs; shifts the reading frame from phenylalanine 1798.
Molecular consequence: frameshift variant.
Genome position (GRCh38, 1-based): chr5:177,269,690-177,269,696, TTTTTTG deleted. VCF-style (leftmost placement, unchanged base first): chr5-177269689-CTTTTTTG-C. GRCh37 (hg19) VCF-style: chr5-176696690-CTTTTTTG-C.
Other names: c.4519_4525delTTTTTTG, p.Phe1507Aspfs (NM_001365684.2, NM_001409308.1, NM_001409309.1 and 1 more transcripts); c.5392_5398delTTTTTTG, p.Phe1798Aspfs (NM_001409301.1, NM_001409302.1, NM_001409303.1 and 1 more transcripts); c.4972_4978delTTTTTTG, p.Phe1658Aspfs (NM_001409304.1); c.4639_4645delTTTTTTG, p.Phe1547Aspfs (NM_001409305.1); c.4630_4636delTTTTTTG, p.Phe1544Aspfs (NM_001409306.1, NM_001409307.1); short protein forms F1798fs, F1529fs.
Identifiers: ClinVar variation 159366 (VCV000159366.8), dbSNP rs587784145, ClinGen allele CA294953.

ClinVar aggregate classification (germline): Pathogenic. Review status: criteria provided, multiple submitters, no conflicts (2 of 4 stars). 2 submissions from 2 submitters: Pathogenic (2). Last evaluated 2025-06-05.

Conditions:
Sotos syndrome (SOTOS). Also called: Distinctive facial appearance, overgrowth in childhood, and learning disabilities or delayed development; CEREBRAL GIGANTISM; Sotos' syndrome; CHROMOSOME 5q35 DELETION SYNDROME; SOTOS SYNDROME 1. Identifiers: Orphanet 821, MedGen C0175695, MONDO:0019349, OMIM 117550.

Submissions (2):

Labcorp Genetics (formerly Invitae), Labcorp
Classification: Pathogenic. Last evaluated: 2025-06-05. Review status: criteria provided, single submitter. Criteria: Invitae Variant Classification Sherloc (09022015). Collection method: clinical testing. Allele origin: germline.
Comment: This sequence change creates a premature translational stop signal (p.Phe1798Aspfs*21) in the NSD1 gene. It is expected to result in an absent or disrupted protein product. Loss-of-function variants in NSD1 are known to be pathogenic (PMID: 12464997, 14571271, 15942875, 16247291). This variant is not present in population databases (gnomAD no frequency). This variant has not been reported in the literature in individuals affected with NSD1-related conditions. ClinVar contains an entry for this variant (Variation ID: 159366). For these reasons, this variant has been classified as Pathogenic.

Genetic Services Laboratory, University of Chicago
Classification: Pathogenic for Sotos syndrome 1. Last evaluated: 2013-02-08. Review status: criteria provided, single submitter. Criteria: ACMG Guidelines, 2007. Collection method: clinical testing. Allele origin: germline. Inheritance: Autosomal dominant inheritance. Affected: yes.

Literature cited by the submitters: PubMed 12464997 (cited by Labcorp Genetics (formerly Invitae), Labcorp); PubMed 14571271 (cited by Labcorp Genetics (formerly Invitae), Labcorp); PubMed 15942875 (cited by Labcorp Genetics (formerly Invitae), Labcorp); PubMed 16247291 (cited by Labcorp Genetics (formerly Invitae), Labcorp).